The following is an entry in ClinVar:

ClinVar aggregate classification (germline): Pathogenic (1 of 4 stars; one submission).

Submission:

GeneDx
Classification: Pathogenic. Last evaluated: 2020-01-27. Review status: criteria provided, single submitter. Criteria: GeneDx Variant Classification Process June 2021. Collection method: clinical testing. Allele origin: germline. Affected: yes.
Comment: Nonsense variant predicted to result in protein truncation or nonsense mediated decay in a gene for which loss-of-function is a known mechanism of disease; Not observed in large population cohorts (Lek 2016); Has not been previously published as pathogenic or benign to our knowledge

NM_000051.4(ATM):c.5980_5986delinsTAAGAAA (p.Lys1994_Glu1996delinsTer)

Genes: ATM (ATM serine/threonine kinase; plus strand), C11orf65 (chromosome 11 open reading frame 65; minus strand). Cytogenetic location: 11q22.3.
Variant type: Indel.
Coding change: c.5980_5986delinsTAAGAAA on transcript NM_000051.4 (MANE Select); coding-DNA positions 5980 to 5986, AAAGAAG replaced by TAAGAAA.
Protein change: p.Lys1994_Glu1996delinsTer.
Molecular consequence: nonsense. On other transcripts: intron variant (2).
Genome position (GRCh38, 1-based): chr11:108,312,472-108,312,478, AAAGAAG replaced by TAAGAAA. VCF-style: chr11-108312472-AAAGAAG-TAAGAAA. GRCh37 (hg19) VCF-style: chr11-108183199-AAAGAAG-TAAGAAA.
Other names: c.5980_5986delAAAGAAGinsTAAGAAA, p.Lys1994Ter (NM_000051.3); c.5980_5986delinsTAAGAAA, p.Lys1994_Glu1996delinsTer (NM_001351834.2); c.641-3407_641-3401delinsTTTCTTA (NM_001330368.2); c.*39-3407_*39-3401delinsTTTCTTA (NM_001351110.2); short protein forms K1994*.
Identifiers: ClinVar variation 546049 (VCV000546049.5), dbSNP rs1555111868, ClinGen allele CA658822139.